The following is an entry in ClinVar:

ClinVar aggregate classification (germline): Uncertain significance (1 of 4 stars; one submission).

Submission:

Labcorp Genetics (formerly Invitae), Labcorp
Classification: Uncertain significance. Last evaluated: 2025-09-25. Review status: criteria provided, single submitter. Criteria: Invitae Variant Classification Sherloc (09022015). Collection method: clinical testing. Allele origin: germline.
Comment: This sequence change falls in intron 10 of the CARD8 gene. It does not directly change the encoded amino acid sequence of the CARD8 protein. It affects a nucleotide within the consensus splice site. This variant is not present in population databases (gnomAD no frequency). This variant has not been reported in the literature in individuals affected with CARD8-related conditions. Variants that disrupt the consensus splice site are a relatively common cause of aberrant splicing (PMID: 17576681, 9536098). Algorithms developed to predict the effect of sequence changes on RNA splicing suggest that this variant may disrupt the consensus splice site. In summary, the available evidence is currently insufficient to determine the role of this variant in disease. Therefore, it has been classified as a Variant of Uncertain Significance.

Literature cited by the submitters: PubMed 17576681; PubMed 9536098.

NM_001184900.3(CARD8):c.1304-3T>A

Gene: CARD8 (caspase recruitment domain family member 8; minus strand). Cytogenetic location: 19q13.33.
Variant type: single nucleotide variant.
Coding change: c.1304-3T>A on transcript NM_001184900.3 (MANE Select); 3 bases into the intron before coding-DNA position 1304, T replaced by A.
Molecular consequence: intron variant.
Genome position (GRCh38, 1-based): chr19:48,215,387, A>T on the plus strand (T>A on the coding strand, the complement: CARD8 is on the minus strand). VCF-style: chr19-48215387-A-T. GRCh37 (hg19) VCF-style: chr19-48718644-A-T.
Other names: c.989-3T>A (NM_001351787.2, NM_001351784.2); c.847-3T>A (NM_001351791.2, NM_001351792.2); c.1012-3T>A (NM_001351788.2, NM_001351789.2); c.968-3T>A (NM_001351786.2); c.1154-3T>A (NM_014959.5, NM_001351783.2, NM_001184901.1); c.919-3T>A (NM_001351790.2); c.1162-3T>A (NM_001184902.2, NM_001184903.1); c.1304-3T>A (NM_001351782.2); and 1 more.
Identifiers: ClinVar variation 4694707 (VCV004694707.1).